The following is an entry in ClinVar:

NM_000064.4(C3):c.537_539del (p.Leu180del)

Gene: C3 (complement C3; minus strand). Cytogenetic location: 19p13.3.
Variant type: Deletion.
Coding change: c.537_539del on transcript NM_000064.4 (MANE Select); coding-DNA positions 537 to 539, 3 bases deleted (CTT; older notation c.537_539delCTT).
Protein change: p.Leu180del; deletes leucine 180.
Genome position (GRCh38, 1-based): chr19:6,714,412-6,714,414, AAG deleted on the plus strand (CTT on the coding strand, the reverse complement: C3 is on the minus strand). VCF-style (leftmost placement, unchanged base first): chr19-6714411-CAAG-C. GRCh37 (hg19) VCF-style: chr19-6714422-CAAG-C.
Other names: short protein forms L180del.
Identifiers: ClinVar variation 4280260 (VCV004280260.2).
Genomic context (GRCh38, chr19:6,714,411, plus strand): 5'-CTTGACGAGTTCCGGAATGTCCCAAGACAAGGGCAAGACGCCAAGCTGGTTCTGAGAAGA[CAAG>C]GAGTCCTGCTTGACCGGGATGCCTTCCGGGTTCTGTGGGAGGCAGGAGGGAAGGATAGAG-3'

ClinVar aggregate classification (germline): Uncertain significance (1 of 4 stars; one submission).

Conditions:
Atypical hemolytic-uremic syndrome. Identifiers: Orphanet 2134, MedGen C2931788, MONDO:0016244.

Submission:

Genomenon, Inc
Classification: Uncertain significance for Atypical hemolytic-uremic syndrome. Last evaluated: 2026-09-17. Review status: criteria provided, single submitter. Criteria: Genomenon Sequence Variant Interpretation Standards - Updated. Collection method: curation. Allele origin: germline. Affected: yes.
Comment: C3 p.Leu180del (c.537_539del) is an in-frame deletion that results in the loss of Leucine at codon 180. This variant has been observed in at least one proband affected with atypical hemolytic-uremic syndrome (PMID:28056875). It is absent or not present at a significant frequency in gnomAD. In conclusion, we classify C3 p.Leu180del (c.537_539del) as a variant of uncertain significance.

Literature cited by the submitters: PubMed 28056875.